The following is an entry in ClinVar:

ClinVar aggregate classification (germline): Uncertain significance (1 of 4 stars; one submission).

Conditions:
Epilepsy, idiopathic generalized, susceptibility to, 13. Also called: EPILEPSY, JUVENILE MYOCLONIC, SUSCEPTIBILITY TO, 5. Identifiers: Orphanet 307, Orphanet 64280, MedGen C4013473, MONDO:0012627, OMIM 611136.
Epilepsy, childhood absence 4 (ECA4). Also called: EPILEPSY, CHILDHOOD ABSENCE, SUSCEPTIBILITY TO, 4. Identifiers: Orphanet 307, MedGen C1970160.
Idiopathic generalized epilepsy. Also called: Generalised epilepsy; EIG. Identifiers: MedGen C0270850, MONDO:0005579, OMIM 600669.

Submission:

Labcorp Genetics (formerly Invitae), Labcorp
Classification: Uncertain significance for Epilepsy, childhood absence 4; Epilepsy, idiopathic generalized, susceptibility to, 13; Idiopathic generalized epilepsy. Last evaluated: 2025-03-13. Review status: criteria provided, single submitter. Criteria: Invitae Variant Classification Sherloc (09022015). Collection method: clinical testing. Allele origin: germline.
Comment: This sequence change replaces valine, which is neutral and non-polar, with isoleucine, which is neutral and non-polar, at codon 194 of the GABRA1 protein (p.Val194Ile). This variant is not present in population databases (gnomAD no frequency). This variant has not been reported in the literature in individuals affected with GABRA1-related conditions. Invitae Evidence Modeling of protein sequence and biophysical properties (such as structural, functional, and spatial information, amino acid conservation, physicochemical variation, residue mobility, and thermodynamic stability) indicates that this missense variant is not expected to disrupt GABRA1 protein function with a negative predictive value of 80%. In summary, the available evidence is currently insufficient to determine the role of this variant in disease. Therefore, it has been classified as a Variant of Uncertain Significance.

NM_001127644.2(GABRA1):c.580G>A (p.Val194Ile)

Gene: GABRA1 (gamma-aminobutyric acid type A receptor subunit alpha1; plus strand). Cytogenetic location: 5q34.
Variant type: single nucleotide variant.
Coding change: c.580G>A on transcript NM_001127644.2 (MANE Select); coding-DNA position 580, G replaced by A.
Protein change: p.Val194Ile; replaces valine 194 with isoleucine.
Molecular consequence: missense variant.
Genome position (GRCh38, 1-based): chr5:161,882,578, G>A. VCF-style: chr5-161882578-G-A. GRCh37 (hg19) VCF-style: chr5-161309584-G-A.
Other names: c.580G>A, p.Val194Ile (NM_000806.5, NM_001127643.2, NM_001127645.2 and 1 more transcripts); short protein forms V194I.
Identifiers: ClinVar variation 4789905 (VCV004789905.1).
Genomic context (GRCh38, chr5:161,882,578, plus strand): 5'-TGGTAAAATATATGGATCATTTTCTACTGTTTCCTTTTAGATGCTTATACAAGAGCAGAA[G>A]TTGTTTATGAATGGACCAGAGAGCCAGCACGCTCAGTGGTTGTAGCAGAAGATGGATCAC-3'
Protein context (NP_001121116.1, residues 184-204): FGSYAYTRAE[Val194Ile]VYEWTREPAR